The following is an entry in ClinVar:

ClinVar aggregate classification (germline): Uncertain significance (1 of 4 stars; one submission).

Conditions:
Hereditary cancer-predisposing syndrome. Also called: Neoplastic Syndromes, Hereditary; Tumor predisposition; Hereditary Cancer Syndrome; Hereditary neoplastic syndrome. Identifiers: Orphanet 140162, MedGen C0027672, MeSH D009386, MONDO:0015356.

Submission:

Ambry Genetics
Classification: Uncertain significance for Hereditary cancer-predisposing syndrome. Last evaluated: 2025-07-18. Review status: criteria provided, single submitter. Criteria: Ambry Variant Classification Scheme 2023. Collection method: clinical testing. Allele origin: germline.
Comment: The c.3434_3435delCCinsTT variant, located in coding exon 24 of the SMARCA4 gene, results from an in-frame deletion of CC and insertion of TT at nucleotide positions 3434 to 3435. This results in the substitution of the proline residue for a leucine residue at codon 1145, an amino acid with similar properties. This amino acid position is well conserved in available vertebrate species. In addition, this variant is predicted to be deleterious by in silico analysis (Choi Y et al. PLoS ONE. 2012; 7(10):e46688). Based on the available evidence, the clinical significance of this variant remains unclear.

NM_003072.5(SMARCA4):c.3434_3435delinsTT (p.Pro1145Leu)

Gene: SMARCA4 (SWI/SNF related BAF chromatin remodeling complex subunit ATPase 4; plus strand). Cytogenetic location: 19p13.2.
Variant type: Indel.
Coding change: c.3434_3435delinsTT on transcript NM_003072.5 (MANE Select); coding-DNA positions 3434 to 3435, CC replaced by TT.
Protein change: p.Pro1145Leu; replaces proline 1145 with leucine.
Molecular consequence: missense variant. On other transcripts: non-coding transcript variant (1).
Genome position (GRCh38, 1-based): chr19:11,030,781-11,030,782, CC replaced by TT. VCF-style: chr19-11030781-CC-TT. GRCh37 (hg19) VCF-style: chr19-11141457-CC-TT.
Other names: c.3434_3435delinsTT, p.Pro1145Leu (NM_001128844.3, NM_001128845.2, NM_001128846.2 and 6 more transcripts); short protein forms P1145L.
Identifiers: ClinVar variation 4170141 (VCV004170141.1).